The following is an entry in ClinVar:

NM_001099922.3(ALG13):c.2266A>G (p.Thr756Ala)

Gene: ALG13 (ALG13 UDP-N-acetylglucosaminyltransferase subunit; plus strand). Cytogenetic location: Xq23.
Variant type: single nucleotide variant.
Coding change: c.2266A>G on transcript NM_001099922.3 (MANE Select); coding-DNA position 2266, A replaced by G.
Protein change: p.Thr756Ala; replaces threonine 756 with alanine.
Molecular consequence: missense variant. On other transcripts: non-coding transcript variant (1).
Genome position (GRCh38, 1-based): chrX:111,728,203, A>G. VCF-style: chrX-111728203-A-G. GRCh37 (hg19) VCF-style: chrX-110971431-A-G.
Other names: c.1954A>G, p.Thr652Ala (NM_001257230.2, NM_001257234.2, NM_001257237.2); c.2032A>G, p.Thr678Ala (NM_001257231.2); c.2266A>G, p.Thr756Ala (NM_001324292.2); c.1780A>G, p.Thr594Ala (NM_001324293.1); short protein forms T756A, T594A, T652A, T678A.
Identifiers: ClinVar variation 379800 (VCV000379800.22), dbSNP rs748648454, ClinGen allele CA10493852.

ClinVar aggregate classification (germline): Benign/Likely benign. Review status: criteria provided, multiple submitters, no conflicts (2 of 4 stars). 7 submissions from 7 submitters: Benign (2); Likely benign (5). Last evaluated 2025-05-01.

Conditions:
ALG13-related disorder. Also called: ALG13-related condition.
Inborn genetic diseases. Identifiers: MedGen C0950123, MeSH D030342.
Developmental and epileptic encephalopathy, 36 (DEE36). Also called: Congenital disorder of glycosylation, type Is; Epileptic encephalopathy, early infantile, 36; ALG13-CDG. Identifiers: Orphanet 324422, MedGen C4317295, MONDO:0010472, OMIM 300884.

Allele frequency attached by ClinVar (database versions not stated): gnomAD exomes 0.00002 and 0.00008; gnomAD 0.00004 and 0.00005; ExAC 0.00005; TOPMed 0.00009.
gnomAD v4.1: 33 of 1,209,903 alleles (0.0027%); highest among the groups gnomAD compares: Middle Eastern, 0.069%; no homozygotes.

Submissions (7):

CeGaT Center for Human Genetics Tuebingen
Classification: Likely benign. Last evaluated: 2025-05-01. Review status: criteria provided, single submitter. Criteria: CeGaT Center For Human Genetics Tuebingen Variant Classification Criteria Version 2. Collection method: clinical testing. Allele origin: germline. Affected: yes. Observed: 2 variant alleles.
Comment: ALG13: BP4, BS2

PreventionGenetics, part of Exact Sciences
Classification: Likely benign for ALG13-related condition. Last evaluated: 2025-01-21. Review status: criteria provided, single submitter. Criteria: ACMG Guidelines, 2015. Collection method: clinical testing. Allele origin: germline.
Comment: This variant is classified as likely benign based on ACMG/AMP sequence variant interpretation guidelines (Richards et al. 2015 PMID: 25741868, with internal and published modifications).

Labcorp Genetics (formerly Invitae), Labcorp
Classification: Benign for Developmental and epileptic encephalopathy, 36. Last evaluated: 2025-01-05. Review status: criteria provided, single submitter. Criteria: Invitae Variant Classification Sherloc (09022015). Collection method: clinical testing. Allele origin: germline.

Blueprint Genetics
Classification: Likely benign. Last evaluated: 2024-09-20. Review status: criteria provided, single submitter. Criteria: ACMG Guidelines, 2015. Collection method: clinical testing. Allele origin: germline.

Genome-Nilou Lab
Classification: Benign for Developmental and epileptic encephalopathy, 36. Last evaluated: 2021-12-05. Review status: criteria provided, single submitter. Criteria: ACMG Guidelines, 2015. Collection method: clinical testing. Allele origin: germline. Affected: no.

Ambry Genetics
Classification: Likely benign for Inborn genetic diseases. Last evaluated: 2021-05-19. Review status: criteria provided, single submitter. Criteria: Ambry Variant Classification Scheme 2023. Collection method: clinical testing. Allele origin: germline.

GeneDx
Classification: Likely benign. Last evaluated: 2017-04-20. Review status: criteria provided, single submitter. Criteria: GeneDx Variant Classification (06012015). Collection method: clinical testing. Allele origin: germline. Affected: yes.
Comment: This variant is considered likely benign or benign based on one or more of the following criteria: it is a conservative change, it occurs at a poorly conserved position in the protein, it is predicted to be benign by multiple in silico algorithms, and/or has population frequency not consistent with disease.